The following is an entry in ClinVar:

ClinVar aggregate classification (germline): Uncertain significance (1 of 4 stars; one submission).

Submission:

GeneDx
Classification: Uncertain significance. Last evaluated: 2024-08-02. Review status: criteria provided, single submitter. Criteria: GeneDx Variant Classification Process June 2021. Collection method: clinical testing. Allele origin: germline. Affected: yes.
Comment: Not observed at significant frequency in large population cohorts (gnomAD); In silico analysis supports that this missense variant has a deleterious effect on protein structure/function; Has not been previously published as pathogenic or benign to our knowledge

NM_001991.5(EZH1):c.857A>T (p.Gln286Leu)

Gene: EZH1 (enhancer of zeste 1 polycomb repressive complex 2 subunit; minus strand). Cytogenetic location: 17q21.2.
Variant type: single nucleotide variant.
Coding change: c.857A>T on transcript NM_001991.5 (MANE Select); coding-DNA position 857, A replaced by T.
Protein change: p.Gln286Leu; replaces glutamine 286 with leucine.
Molecular consequence: missense variant.
Genome position (GRCh38, 1-based): chr17:42,718,528, T>A on the plus strand (A>T on the coding strand, the complement: EZH1 is on the minus strand). VCF-style: chr17-42718528-T-A. GRCh37 (hg19) VCF-style: chr17-40870546-T-A.
Other names: c.875A>T, p.Gln292Leu (NM_001321079.2); c.830A>T, p.Gln277Leu (NM_001321081.2); c.737A>T, p.Gln246Leu (NM_001321082.2); short protein forms Q246L, Q277L, Q286L, Q292L.
Identifiers: ClinVar variation 3602153 (VCV003602153.1).